The following is an entry in ClinVar:

NM_001387220.1(IKZF2):c.139+27T>G

Gene: IKZF2 (IKAROS family zinc finger 2; minus strand). Cytogenetic location: 2q34.
Variant type: single nucleotide variant.
Coding change: c.139+27T>G on transcript NM_001387220.1 (MANE Select); 27 bases into the intron after coding-DNA position 139, T replaced by G.
Molecular consequence: intron variant.
Genome position (GRCh38, 1-based): chr2:213,147,681, A>C on the plus strand (T>G on the coding strand, the complement: IKZF2 is on the minus strand). VCF-style: chr2-213147681-A-C. GRCh37 (hg19) VCF-style: chr2-214012405-A-C.
Other names: c.136+30T>G (NM_001371277.1); c.139+27T>G (NM_001371274.1, NM_001371276.1, NM_001079526.2 and 2 more transcripts).
Identifiers: ClinVar variation 2687981 (VCV002687981.2), dbSNP rs6738070, ClinGen allele CA2088989.

ClinVar aggregate classification (germline): Benign (1 of 4 stars; one submission).

Allele frequency attached by ClinVar (database versions not stated): ExAC 0.59573; gnomAD exomes 0.90118; ESP Exome Variant Server 0.92788; 1000 Genomes Project 0.94012; gnomAD 0.94230; TOPMed 0.94797.
gnomAD v4.1: 1,387,709 of 1,532,978 alleles (91%); highest among the groups gnomAD compares: Admixed American, 91%; 624,138 homozygotes.

Submission:

Unidad de Genómica Garrahan, Hospital de Pediatría Garrahan
Classification: Benign. Last evaluated: 2024-01-24. Review status: criteria provided, single submitter. Criteria: ACMG Guidelines, 2015. Collection method: clinical testing. Allele origin: germline. Affected: no. Observed: 95 variant alleles.
Comment: This variant is classified as Benign based on local population frequency. This variant was detected in 100% of patients studied by a panel of primary immunodeficiencies. Number of patients: 95. Only high quality variants are reported.